The following is an entry in ClinVar:

NM_022042.4(SLC26A1):c.1685C>T (p.Thr562Met)

Genes: SLC26A1 (solute carrier family 26 member 1; minus strand), IDUA (alpha-L-iduronidase; plus strand). Cytogenetic location: 4p16.3.
Variant type: single nucleotide variant.
Coding change: c.1685C>T on transcript NM_022042.4 (MANE Select); coding-DNA position 1685, C replaced by T.
Protein change: p.Thr562Met; replaces threonine 562 with methionine.
Molecular consequence: missense variant. On other transcripts: intron variant (2).
Genome position (GRCh38, 1-based): chr4:989,254, G>A on the plus strand (C>T on the coding strand, the complement: SLC26A1 is on the minus strand). VCF-style: chr4-989254-G-A. GRCh37 (hg19) VCF-style: chr4-983042-G-A.
Other names: c.1685C>T, p.Thr562Met (NM_213613.4); c.576+1874C>T (NM_134425.4); c.299+1305G>A (NM_000203.5); short protein forms T562M.
Identifiers: ClinVar variation 64585 (VCV000064585.9), dbSNP rs201503661, ClinGen allele CA216453.
Genomic context (GRCh38, chr4:989,254, plus strand): 5'-ACCCCCGTCTCTGAGCCCCCCTCCTTCCTCCTGGCAGCCATGCACCCTGCGTCCAGCCCC[G>A]TGAGGCTGTAGAGTGACTGCAGGAAGAAGTCCTTGTTGGCATAGTACAGCGGCCCCCCAA-3'
Protein context (NP_071325.2, residues 552-572): DFFLQSLYSL[Thr562Met]GLDAGCMAAR

ClinVar aggregate classification (germline): Uncertain significance. Review status: criteria provided, multiple submitters, no conflicts (2 of 4 stars). 3 submissions from 3 submitters: Uncertain significance (2). 1 of the submissions does not count toward it. Last evaluated 2024-04-18.

Conditions:
Hypersulfaturia (HYSULF). Identifiers: MedGen C5830511, MONDO:0957268, OMIM 620372.
Nephrolithiasis susceptibility caused by SLC26A1 (CAON1). Also called: NEPHROLITHIASIS, CALCIUM OXALATE, 1. Identifiers: MedGen C5779632, MONDO:0020722, OMIM 167030.

Allele frequency attached by ClinVar (database versions not stated): gnomAD 0.00004 and 0.00009; TOPMed 0.00004; gnomAD exomes 0.00011 and 0.00027; ExAC 0.00012; 1000 Genomes Project 30x 0.00031; 1000 Genomes Project 0.00040.
gnomAD v4.1: 392 of 1,612,642 alleles (0.024%); highest among the groups gnomAD compares: East Asian, 0.73%; 1 homozygote.

Submissions (3):

Fulgent Genetics
Classification: Uncertain significance for Nephrolithiasis susceptibility caused by SLC26A1; Hypersulfaturia. Last evaluated: 2024-04-18. Review status: criteria provided, single submitter. Criteria: ACMG Guidelines, 2015. Collection method: clinical testing. Allele origin: germline.

Labcorp Genetics (formerly Invitae), Labcorp
Classification: Uncertain significance. Last evaluated: 2021-12-29. Review status: criteria provided, single submitter. Criteria: Invitae Variant Classification Sherloc (09022015). Collection method: clinical testing. Allele origin: germline.
Comment: Algorithms developed to predict the effect of missense changes on protein structure and function are either unavailable or do not agree on the potential impact of this missense change (SIFT: "Deleterious"; PolyPhen-2: "Probably Damaging"; Align-GVGD: "Class C0"). In summary, the available evidence is currently insufficient to determine the role of this variant in disease. Therefore, it has been classified as a Variant of Uncertain Significance. This sequence change replaces threonine, which is neutral and polar, with methionine, which is neutral and non-polar, at codon 562 of the SLC26A1 protein (p.Thr562Met). This variant is present in population databases (rs201503661, gnomAD 0.1%), and has an allele count higher than expected for a pathogenic variant. This variant has not been reported in the literature in individuals affected with SLC26A1-related conditions. ClinVar contains an entry for this variant (Variation ID: 64585).

Martin Pollak Laboratory,  Beth Israel Deaconess Medical Center
Classification: Uncertain significance. Review status: no assertion criteria provided. Collection method: not provided. Allele origin: unknown. Not counted in ClinVar's aggregate classification.
Comment: Lower and higher UCa2+ groups
ClinVar note: Converted during submission from unknown to Uncertain significance.